The following is an entry in ClinVar:

ClinVar aggregate classification (germline): Likely benign. Review status: criteria provided, multiple submitters, no conflicts (2 of 4 stars). 3 submissions from 3 submitters: Likely benign (2). 1 of the submissions does not count toward it. Last evaluated 2024-01-04.

Conditions:
IFT172-related disorder. Also called: IFT172-related condition; IFT172-related disorders.
Retinitis pigmentosa 71 (RP71). Identifiers: Orphanet 791, MedGen C4225342, MONDO:0014618, OMIM 616394.
Short-rib thoracic dysplasia 10 with or without polydactyly (SRTD10). Identifiers: Orphanet 474, MedGen C3810175, MONDO:0014284, OMIM 615630.

Allele frequency attached by ClinVar (database versions not stated): gnomAD exomes 0.00002 and 0.00004; TOPMed 0.00002; ExAC 0.00003; gnomAD 0.00003 and 0.00004; ESP Exome Variant Server 0.00008.
gnomAD v4.1: 64 of 1,613,888 alleles (0.004%); highest among the groups gnomAD compares: Non-Finnish European, 0.0054%; no homozygotes.

Submissions (3):

Labcorp Genetics (formerly Invitae), Labcorp
Classification: Likely benign for Retinitis pigmentosa 71; Short-rib thoracic dysplasia 10 with or without polydactyly. Last evaluated: 2024-01-04. Review status: criteria provided, single submitter. Criteria: Invitae Variant Classification Sherloc (09022015). Collection method: clinical testing. Allele origin: germline.

Blueprint Genetics
Classification: Likely benign. Last evaluated: 2023-10-16. Review status: criteria provided, single submitter. Criteria: ACMG Guidelines, 2015. Collection method: clinical testing. Allele origin: germline.

PreventionGenetics, part of Exact Sciences
Classification: Likely benign for IFT172-related condition. Last evaluated: 2020-07-20. Review status: no assertion criteria provided. Collection method: clinical testing. Allele origin: germline. Not counted in ClinVar's aggregate classification.
Comment: This variant is classified as likely benign based on ACMG/AMP sequence variant interpretation guidelines (Richards et al. 2015 PMID: 25741868, with internal and published modifications).

NM_015662.3(IFT172):c.861C>T (p.Tyr287=)

Gene: IFT172 (intraflagellar transport 172; minus strand). Cytogenetic location: 2p23.3.
Variant type: single nucleotide variant.
Coding change: c.861C>T on transcript NM_015662.3 (MANE Select); coding-DNA position 861, C replaced by T.
Protein change: p.Tyr287=; no amino-acid change (tyrosine 287 retained).
Molecular consequence: synonymous variant.
Genome position (GRCh38, 1-based): chr2:27,480,074, G>A on the plus strand (C>T on the coding strand, the complement: IFT172 is on the minus strand). VCF-style: chr2-27480074-G-A. GRCh37 (hg19) VCF-style: chr2-27702941-G-A.
Other names: c.861C>T (NM_015662.2).
Identifiers: ClinVar variation 1092346 (VCV001092346.11), dbSNP rs148906663, ClinGen allele CA1580848.
Genomic context (GRCh38, chr2:27,480,074, plus strand): 5'-CTAGTAACACACCACACAGAGCCGTGAGCCATCCCGCTTCCAGGCCAAGGCAGTGATGGT[G>A]TATAAATTGGTAATCTCCTTGGGCTTTGCCTCTTCCCAGATGCTTCTTCGAGGGATCCAG-3'
Protein context (NP_056477.1, residues 277-297): EAKPKEITNL[Tyr287=]TITALAWKRD